The following is an entry in ClinVar:

NM_000051.4(ATM):c.9014dup (p.Ala3006fs)

Genes: C11orf65 (chromosome 11 open reading frame 65; minus strand), ATM (ATM serine/threonine kinase; plus strand). Cytogenetic location: 11q22.3.
Variant type: Duplication.
Coding change: c.9014dup on transcript NM_000051.4 (MANE Select); coding-DNA position 9014, one base duplicated (T; older notation c.9014dupT).
Protein change: p.Ala3006fs; shifts the reading frame from alanine 3006.
Molecular consequence: frameshift variant. On other transcripts: intron variant (2).
Genome position (GRCh38, 1-based): chr11:108,365,351, T duplicated. VCF-style (leftmost placement, unchanged base first): chr11-108365350-G-GT. GRCh37 (hg19) VCF-style: chr11-108236077-G-GT.
Other names: c.9014dupT (NM_000051.3); c.640+20569dup (NM_001330368.2); c.694+20569dup (NM_001351110.2); c.9014dup, p.Ala3006fs (NM_001351834.2); short protein forms A3006fs.
Identifiers: ClinVar variation 822893 (VCV000822893.6), dbSNP rs1591386748, ClinGen allele CA915947677.
Genomic context (GRCh38, chr11:108,365,350, plus strand): 5'-TCACCTCACTGAAACCTTTGTGTTTTTGTCCTTAGTGATATTGACCAGAGTTTCAACAAA[G>GT]TAGCTGAACGTGTCTTAATGAGACTACAAGAGAAACTGAAAGGAGTGGAAGAAGGCACTG-3'

ClinVar aggregate classification (germline): Pathogenic (1 of 4 stars; one submission).

Conditions:
Hereditary cancer-predisposing syndrome. Also called: Tumor predisposition; Neoplastic Syndromes, Hereditary; Hereditary Cancer Syndrome; Hereditary neoplastic syndrome. Identifiers: Orphanet 140162, MedGen C0027672, MeSH D009386, MONDO:0015356.

Submission:

Ambry Genetics
Classification: Pathogenic for Hereditary cancer-predisposing syndrome. Last evaluated: 2019-04-15. Review status: criteria provided, single submitter. Criteria: Ambry Variant Classification Scheme 2023. Collection method: clinical testing. Allele origin: germline.
Comment: The c.9014dupT pathogenic mutation, located in coding exon 62 of the ATM gene, results from a duplication of T at nucleotide position 9014, causing a translational frameshift with a predicted alternate stop codon (p.A3006Sfs*2). This alteration is expected to result in loss of function by premature protein truncation. As such, this alteration is interpreted as a disease-causing mutation.